The following is an entry in ClinVar:

ClinVar aggregate classification (germline): Benign/Likely benign. Review status: criteria provided, multiple submitters, no conflicts (2 of 4 stars). 3 submissions from 3 submitters: Benign (1); Likely benign (2). Last evaluated 2026-07-02.

Conditions:
Sessile serrated polyposis cancer syndrome (SSPCS). Identifiers: Orphanet 157798, MedGen C4310714, MONDO:0014919, OMIM 617108.

Allele frequency attached by ClinVar (database versions not stated): gnomAD exomes below 0.00001.
gnomAD v4.1: 1 of 1,612,342 alleles (0.000062%); highest among the groups gnomAD compares: Non-Finnish European, 0.000085%; no homozygotes.

Submissions (3):

Myriad Genetics, Inc.
Classification: Benign for Sessile serrated polyposis cancer syndrome. Last evaluated: 2026-07-02. Review status: criteria provided, single submitter. Criteria: Myriad Autosomal Dominant, Autosomal Recessive and X-Linked Classification Criteria (2023). Collection method: clinical testing. Allele origin: unknown.
Comment: This variant is considered benign. This variant is a silent/synonymous amino acid change and it is not expected to impact splicing.

Ambry Genetics
Classification: Likely benign. Last evaluated: 2025-04-10. Review status: criteria provided, single submitter. Criteria: Ambry Variant Classification Scheme 2023. Collection method: clinical testing. Allele origin: germline.

Center for Genomic Medicine, Rigshospitalet, Copenhagen University Hospital
Classification: Likely benign. Last evaluated: 2025-03-04. Review status: criteria provided, single submitter. Criteria: ACMG Guidelines, 2015. Collection method: clinical testing. Allele origin: germline.

NM_017763.6(RNF43):c.2034C>T (p.Cys678=)

Gene: RNF43 (ring finger protein 43; minus strand). Cytogenetic location: 17q22.
Variant type: single nucleotide variant.
Coding change: c.2034C>T on transcript NM_017763.6 (MANE Select); coding-DNA position 2034, C replaced by T.
Protein change: p.Cys678=; no amino-acid change (cysteine 678 retained).
Molecular consequence: synonymous variant.
Genome position (GRCh38, 1-based): chr17:58,357,742, G>A on the plus strand (C>T on the coding strand, the complement: RNF43 is on the minus strand). VCF-style: chr17-58357742-G-A. GRCh37 (hg19) VCF-style: chr17-56435103-G-A.
Other names: c.2034C>T (NM_017763.4); c.2034C>T, p.Cys678= (NM_001305544.3); c.1653C>T, p.Cys551= (NM_001305545.2).
Identifiers: ClinVar variation 2692005 (VCV002692005.4), dbSNP rs1485772359, ClinGen allele CA501320865.